The following is an entry in ClinVar:

ClinVar aggregate classification (germline): Pathogenic/Likely pathogenic. Review status: criteria provided, multiple submitters, no conflicts (2 of 4 stars). 3 submissions from 3 submitters: Pathogenic (1); Likely pathogenic (2). Last evaluated 2026-06-03.

Conditions:
Inborn genetic diseases. Identifiers: MedGen C0950123, MeSH D030342.
PRMT7-related disorder. Also called: PRMT7-related condition.

Submissions (3):

PreventionGenetics, part of Exact Sciences
Classification: Likely pathogenic for PRMT7-related condition. Last evaluated: 2026-06-03. Review status: criteria provided, single submitter. Criteria: ACMG Guidelines, 2015. Collection method: clinical testing. Allele origin: germline.
Comment: The PRMT7 c.471delC variant is predicted to result in a frameshift and premature protein termination (p.Ser158Profs*73). To our knowledge, this variant has not been reported in the literature. This variant is reported in 0.0026% of alleles in individuals of European (Non-Finnish) descent in gnomAD. Frameshift variants in PRMT7 are expected to be pathogenic. This variant is interpreted as likely pathogenic.

Ambry Genetics
Classification: Pathogenic for Inborn genetic diseases. Last evaluated: 2023-11-30. Review status: criteria provided, single submitter. Criteria: Ambry Variant Classification Scheme 2023. Collection method: clinical testing. Allele origin: germline.
Comment: The c.471delC (p.S158Pfs*73) alteration, located in exon 7 (coding exon 5) of the PRMT7 gene, consists of a deletion of one nucleotide at position 471, causing a translational frameshift with a predicted alternate stop codon after 73 amino acids. This alteration is expected to result in loss of function by premature protein truncation or nonsense-mediated mRNA decay. Based on data from gnomAD, the c.471delC allele has an overall frequency of 0.001% (3/250268) total alleles studied. The highest observed frequency was 0.003% (3/113396) of European (non-Finnish) alleles. Based on the available evidence, this alteration is classified as pathogenic.

GeneDx
Classification: Likely pathogenic. Last evaluated: 2023-10-14. Review status: criteria provided, single submitter. Criteria: GeneDx Variant Classification Process June 2021. Collection method: clinical testing. Allele origin: germline. Affected: yes.
Comment: Frameshift variant predicted to result in protein truncation or nonsense mediated decay in a gene for which loss of function is a known mechanism of disease; Not observed at significant frequency in large population cohorts (gnomAD); Has not been previously published as pathogenic or benign to our knowledge

NM_019023.5(PRMT7):c.471del (p.Ser158fs)

Gene: PRMT7 (protein arginine methyltransferase 7; plus strand). Cytogenetic location: 16q22.1.
Variant type: Deletion.
Coding change: c.471del on transcript NM_019023.5 (MANE Select); coding-DNA position 471, one base deleted (C; older notation c.471delC).
Protein change: p.Ser158fs; shifts the reading frame from serine 158.
Molecular consequence: frameshift variant. On other transcripts: non-coding transcript variant (12).
Genome position (GRCh38, 1-based): chr16:68,337,538, C deleted; the last of 3 consecutive C bases (chr16:68,337,536-68,337,538); deleting any one gives the same sequence. VCF-style (leftmost placement, unchanged base first): chr16-68337535-GC-G. GRCh37 (hg19) VCF-style: chr16-68371438-GC-G.
Other names: c.471delC (NM_019023.2); c.471del (NM_019023.2); c.321del, p.Ser108fs (NM_001184824.4); c.471del, p.Ser158fs (NM_001290018.2, NM_001351143.3, NM_001351144.3 and 1 more transcripts); c.264del, p.Ser89fs (NM_001378020.1); c.234del, p.Ser79fs (NM_001378021.1, NM_001378022.1, NM_001378023.1); short protein forms S108fs, S158fs, S79fs, S89fs.
Identifiers: ClinVar variation 985568 (VCV000985568.5), dbSNP rs770567326, ClinGen allele CA8127112.
Genomic context (GRCh38, chr16:68,337,535, plus strand): 5'-CCGTGCCAACATCCTGGTCACAGAGTTGTTTGACACAGAGCTGATCGGGGAGGGGGCGCT[GC>G]CCTCCTATGAGCACGCACACAGGCATCTCGTGGAGGTAGTAGACGGAGGGCTCCCTCAGA-3'